The following is an entry in ClinVar:

NM_001008216.2(GALE):c.425T>C (p.Leu142Pro)

Gene: GALE (UDP-galactose-4-epimerase; minus strand). Cytogenetic location: 1p36.11.
Variant type: single nucleotide variant.
Coding change: c.425T>C on transcript NM_001008216.2 (MANE Select); coding-DNA position 425, T replaced by C.
Protein change: p.Leu142Pro; replaces leucine 142 with proline.
Molecular consequence: missense variant.
Genome position (GRCh38, 1-based): chr1:23,797,798, A>G on the plus strand (T>C on the coding strand, the complement: GALE is on the minus strand). VCF-style: chr1-23797798-A-G. GRCh37 (hg19) VCF-style: chr1-24124288-A-G.
Other names: c.425T>C, p.Leu142Pro (NM_000403.4, NM_001127621.2); short protein forms L142P.
Identifiers: ClinVar variation 3718245 (VCV003718245.2).
Genomic context (GRCh38, chr1:23,797,798, plus strand): 5'-AACTTGGACTTGCCGTAAGGGTTGGTACAACCACCCGTGGGGTGGGCCTCATCAAGGGGC[A>G]GGTACTGGGGGTTCCCGTACACAGTGGCTGAGCTGCTGAACACCAGGTTCTTCACCCCGT-3'
Protein context (NP_001008217.1, residues 132-152): SATVYGNPQY[Leu142Pro]PLDEAHPTGG

ClinVar aggregate classification (germline): Uncertain significance (1 of 4 stars; one submission).

Conditions:
UDPglucose-4-epimerase deficiency. Also called: UDP-GALACTOSE-4-EPIMERASE DEFICIENCY; Galactose epimerase deficiency; GALACTOSEMIA III; GALE DEFICIENCY; UDPglucose 4-Epimerase Deficiency Disease; Epimerase Deficiency Galactosemia. Identifiers: Orphanet 352, Orphanet 79238, MedGen C0751161, MONDO:0009257, OMIM 230350.

Submission:

Labcorp Genetics (formerly Invitae), Labcorp
Classification: Uncertain significance for UDPglucose-4-epimerase deficiency. Last evaluated: 2024-02-02. Review status: criteria provided, single submitter. Criteria: Invitae Variant Classification Sherloc (09022015). Collection method: clinical testing. Allele origin: germline.
Comment: This sequence change replaces leucine, which is neutral and non-polar, with proline, which is neutral and non-polar, at codon 142 of the GALE protein (p.Leu142Pro). This variant is not present in population databases (gnomAD no frequency). This variant has not been reported in the literature in individuals affected with GALE-related conditions. Advanced modeling of protein sequence and biophysical properties (such as structural, functional, and spatial information, amino acid conservation, physicochemical variation, residue mobility, and thermodynamic stability) performed at Invitae indicates that this missense variant is not expected to disrupt GALE protein function with a negative predictive value of 80%. In summary, the available evidence is currently insufficient to determine the role of this variant in disease. Therefore, it has been classified as a Variant of Uncertain Significance.